The following is an entry in ClinVar:

ClinVar aggregate classification (germline): Uncertain significance (1 of 4 stars; one submission).

Conditions:
Hereditary sensory and autonomic neuropathy type 6. Also called: HSAN VI; Neuropathy, hereditary sensory and autonomic, type VI. Identifiers: Orphanet 314381, MedGen C3539003, MONDO:0013839, OMIM 614653.
Epidermolysis bullosa simplex 3, localized or generalized intermediate, with BP230 deficiency (EBS3). Also called: Epidermolysis bullosa simplex due to BP230 deficiency; Epidermolysis bullosa simplex, autosomal recessive 2. Identifiers: Orphanet 412181, MedGen C3809470, MONDO:0014180, OMIM 615425.

Allele frequency attached by ClinVar (database versions not stated): gnomAD exomes below 0.00001; TOPMed below 0.00001; gnomAD 0.00001.
gnomAD v4.1: 7 of 1,613,768 alleles (0.00043%); highest among the groups gnomAD compares: Non-Finnish European, 0.00059%; no homozygotes.

Submission:

Labcorp Genetics (formerly Invitae), Labcorp
Classification: Uncertain significance for Epidermolysis bullosa simplex 3, localized or generalized intermediate, with BP230 deficiency; Hereditary sensory and autonomic neuropathy type 6. Last evaluated: 2021-06-13. Review status: criteria provided, single submitter. Criteria: Invitae Variant Classification Sherloc (09022015). Collection method: clinical testing. Allele origin: germline.
Comment: In summary, the available evidence is currently insufficient to determine the role of this variant in disease. Therefore, it has been classified as a Variant of Uncertain Significance. Experimental studies and prediction algorithms are not available or were not evaluated, and the functional significance of this variant is currently unknown. This variant has not been reported in the literature in individuals with DST-related conditions. This variant is not present in population databases (ExAC no frequency). This sequence change replaces arginine with glycine at codon 4285 of the DST protein (p.Arg4285Gly). The DST gene has multiple clinically relevant transcripts. This variant occurs in alternate transcript NM_015548.4, and corresponds to NM_001723.5:c.*123255A>G in the primary transcript.

NM_001374736.1(DST):c.20722A>G (p.Arg6908Gly)

Gene: DST (dystonin; minus strand). Cytogenetic location: 6p12.1.
Variant type: single nucleotide variant.
Coding change: c.20722A>G on transcript NM_001374736.1 (MANE Select); coding-DNA position 20722, A replaced by G.
Protein change: p.Arg6908Gly; replaces arginine 6908 with glycine.
Molecular consequence: missense variant.
Genome position (GRCh38, 1-based): chr6:56,492,262, T>C on the plus strand (A>G on the coding strand, the complement: DST is on the minus strand). VCF-style: chr6-56492262-T-C. GRCh37 (hg19) VCF-style: chr6-56357060-T-C.
Other names: c.14365A>G, p.Arg4789Gly (NM_001144769.5); c.13951A>G, p.Arg4651Gly (NM_001144770.2); c.20722A>G, p.Arg6908Gly (NM_001374722.1); c.19762A>G, p.Arg6588Gly (NM_001374729.1); c.13504A>G, p.Arg4502Gly (NM_001374730.1); c.20749A>G, p.Arg6917Gly (NM_001374734.1); c.13831A>G, p.Arg4611Gly (NM_001386100.1, NM_183380.4); c.12853A>G, p.Arg4285Gly (NM_015548.5); short protein forms R6588G, R4651G, R6917G, R4502G, R4611G, R6908G, R4285G, R4789G.
Identifiers: ClinVar variation 1523626 (VCV001523626.6), dbSNP rs1379404522, ClinGen allele CA364515218.
Genomic context (GRCh38, chr6:56,492,262, plus strand): 5'-GAGAATTTTTCTAAAGGGTTATTACCTGCTTGGCTCTCTTCCTTGCATCATCCAAAGATC[T>C]TCCTCTCTCTACCAACCGTTGAACCACTTTTTCCCATCGACTTTGTACACTGATAAGTAG-3'
Protein context (NP_001361665.1, residues 6898-6918): KVVQRLVERG[Arg6908Gly]SLDDARKRAK